The following is an entry in ClinVar:

NM_001291415.2(KDM6A):c.177C>G (p.Phe59Leu)

Genes: KDM6A (lysine demethylase 6A; plus strand), LOC130068183 (ATAC-STARR-seq lymphoblastoid silent region 20785; plus strand). Cytogenetic location: Xp11.3.
Variant type: single nucleotide variant.
Coding change: c.177C>G on transcript NM_001291415.2 (MANE Select); coding-DNA position 177, C replaced by G.
Protein change: p.Phe59Leu; replaces phenylalanine 59 with leucine.
Molecular consequence: missense variant. On other transcripts: 5 prime UTR variant (1), non-coding transcript variant (1).
Genome position (GRCh38, 1-based): chrX:44,873,939, C>G. VCF-style: chrX-44873939-C-G. GRCh37 (hg19) VCF-style: chrX-44733185-C-G.
Other names: c.177C>G (NM_021140.2); c.177C>G, p.Phe59Leu (NM_001291416.2, NM_001291417.2, NM_001291418.2 and 9 more transcripts); c.-456C>G (NM_001291421.2); short protein forms F59L.
Identifiers: ClinVar variation 2744573 (VCV002744573.2), dbSNP rs1294014005, ClinGen allele CA413020463.

ClinVar aggregate classification (germline): Uncertain significance. Review status: criteria provided, multiple submitters, no conflicts (2 of 4 stars). 2 submissions from 2 submitters: Uncertain significance (2). Last evaluated 2025-06-13.

Conditions:
Kabuki syndrome 2 (KABUK2). Also called: KDM6A-Related Kabuki Syndrome. Identifiers: Orphanet 2322, MedGen C3275495, MONDO:0010465, OMIM 300867.

Submissions (2):

GeneDx
Classification: Uncertain significance. Last evaluated: 2025-06-13. Review status: criteria provided, single submitter. Criteria: GeneDx Variant Classification Process June 2021. Collection method: clinical testing. Allele origin: germline. Affected: yes.
Comment: In silico analysis supports that this missense variant has a deleterious effect on protein structure/function; Has not been previously published as pathogenic or benign to our knowledge

Labcorp Genetics (formerly Invitae), Labcorp
Classification: Uncertain significance for Kabuki syndrome 2. Last evaluated: 2022-11-23. Review status: criteria provided, single submitter. Criteria: Invitae Variant Classification Sherloc (09022015). Collection method: clinical testing. Allele origin: germline.
Comment: In summary, the available evidence is currently insufficient to determine the role of this variant in disease. Therefore, it has been classified as a Variant of Uncertain Significance. Algorithms developed to predict the effect of missense changes on protein structure and function (SIFT, PolyPhen-2, Align-GVGD) all suggest that this variant is likely to be tolerated. This variant has not been reported in the literature in individuals affected with KDM6A-related conditions. This variant is not present in population databases (gnomAD no frequency). This sequence change replaces phenylalanine, which is neutral and non-polar, with leucine, which is neutral and non-polar, at codon 59 of the KDM6A protein (p.Phe59Leu).